The following is an entry in ClinVar:

NM_012330.4(KAT6B):c.2374-3T>C

Gene: KAT6B (lysine acetyltransferase 6B; plus strand). Cytogenetic location: 10q22.2.
Variant type: single nucleotide variant.
Coding change: c.2374-3T>C on transcript NM_012330.4 (MANE Select); 3 bases into the intron before coding-DNA position 2374, T replaced by C.
Molecular consequence: intron variant.
Genome position (GRCh38, 1-based): chr10:74,985,077, T>C. VCF-style: chr10-74985077-T-C. GRCh37 (hg19) VCF-style: chr10-76744835-T-C.
Other names: c.450+3149T>C (NM_001370134.1); c.1498-3T>C (NM_001370141.1, NM_001256469.2, NM_001370142.1 and 2 more transcripts); c.1309-3T>C (NM_001370143.1, NM_001370144.1); c.2374-3T>C (NM_001370137.1, NM_001370136.1); c.1825-3T>C (NM_001256468.2, NM_001370138.1); c.1497+3149T>C (NM_001370132.1); c.193-3942T>C (NM_001370135.1); c.847-3942T>C (NM_001370133.1).
Identifiers: ClinVar variation 2756778 (VCV002756778.4), dbSNP rs918213648, ClinGen allele CA209707092.

ClinVar aggregate classification (germline): Uncertain significance. Review status: criteria provided, multiple submitters, no conflicts (2 of 4 stars). 2 submissions from 2 submitters: Uncertain significance (2). Last evaluated 2024-06-11.

Conditions:
Genitopatellar syndrome (GTPTS). Also called: ABSENT PATELLAE, SCROTAL HYPOPLASIA, RENAL ANOMALIES, FACIAL DYSMORPHISM, AND MENTAL RETARDATION; Genitopatellar syndrome (GPS). Identifiers: Orphanet 85201, MedGen C1853566, MONDO:0011640, OMIM 606170.
Blepharophimosis - intellectual disability syndrome, SBBYS type (SBBYSS). Also called: Ohdo syndrome, SBBYS variant; SBBYSS syndrome; Say-Barber-Biesecker-Young-Simpson syndrome; Say-Barber-Biesecker-Young-Simpson variant of Ohdo Syndrome; Say-Barber-Biesecker Variant of Ohdo Syndrome; Young Simpson syndrome. Identifiers: Orphanet 3047, MedGen C1863557, MONDO:0011365, OMIM 603736.

Allele frequency attached by ClinVar (database versions not stated): gnomAD 0.00001; TOPMed 0.00001.
gnomAD v4.1: 1 of 1,613,534 alleles (0.000062%); highest among the groups gnomAD compares: Non-Finnish European, 0.000085%; no homozygotes.

Submissions (2):

Fulgent Genetics
Classification: Uncertain significance for Blepharophimosis - intellectual disability syndrome, SBBYS type; Genitopatellar syndrome. Last evaluated: 2024-06-11. Review status: criteria provided, single submitter. Criteria: ACMG Guidelines, 2015. Collection method: clinical testing. Allele origin: germline.

Labcorp Genetics (formerly Invitae), Labcorp
Classification: Uncertain significance for Genitopatellar syndrome. Last evaluated: 2023-11-13. Review status: criteria provided, single submitter. Criteria: Invitae Variant Classification Sherloc (09022015). Collection method: clinical testing. Allele origin: germline.
Comment: This sequence change falls in intron 11 of the KAT6B gene. It does not directly change the encoded amino acid sequence of the KAT6B protein. It affects a nucleotide within the consensus splice site. This variant is not present in population databases (gnomAD no frequency). This variant has not been reported in the literature in individuals affected with KAT6B-related conditions. Variants that disrupt the consensus splice site are a relatively common cause of aberrant splicing (PMID: 17576681, 9536098). Algorithms developed to predict the effect of sequence changes on RNA splicing suggest that this variant is not likely to affect RNA splicing. In summary, the available evidence is currently insufficient to determine the role of this variant in disease. Therefore, it has been classified as a Variant of Uncertain Significance.

Literature cited by the submitters: PubMed 17576681 (cited by Labcorp Genetics (formerly Invitae), Labcorp); PubMed 9536098 (cited by Labcorp Genetics (formerly Invitae), Labcorp).